The following is an entry in ClinVar:

ClinVar aggregate classification (germline): Conflicting classifications of pathogenicity. Review status: criteria provided, conflicting classifications (1 of 4 stars). 7 submissions from 7 submitters: Uncertain significance (4); Likely benign (2). 1 of the submissions does not count toward it. Last evaluated 2026-01-28.

Conditions:
ITGB4-related disorder. Also called: ITGB4-related condition.
Epidermolysis bullosa, junctional 5A, intermediate. Also called: EPIDERMOLYSIS BULLOSA, JUNCTIONAL 5A, GENERALIZED INTERMEDIATE; EPIDERMOLYSIS BULLOSA, JUNCTIONAL 5A, NON-HERLITZ TYPE. Identifiers: MedGen C5676956, MONDO:0030768, OMIM 619816.
Junctional epidermolysis bullosa with pyloric atresia. Also called: Epidermolysis bullosa, junctional, with pyloric atresia and aplasia cutis congenita; Epidermolysis bullosa junctionalis with pyloric atresia; APLASIA CUTIS CONGENITA WITH GASTROINTESTINAL ATRESIA; CARMI SYNDROME; EPIDERMOLYSIS BULLOSA, JUNCTIONAL 5B, WITH PYLORIC ATRESIA; ITGB4-Related Epidermolysis Bullosa with Pyloric Atresia. Identifiers: Orphanet 79403, MedGen C5676875, MONDO:0009183, OMIM 226730.

Allele frequency attached by ClinVar (database versions not stated): ExAC 0.00065; gnomAD exomes 0.00066 and 0.00157; gnomAD 0.00077 and 0.00135; ESP Exome Variant Server 0.00092; TOPMed 0.00162.
gnomAD v4.1: 2,460 of 1,613,934 alleles (0.15%); highest among the groups gnomAD compares: Non-Finnish European, 0.19%; 8 homozygotes.

Submissions (7):

Labcorp Genetics (formerly Invitae), Labcorp
Classification: Likely benign. Last evaluated: 2026-01-28. Review status: criteria provided, single submitter. Criteria: Invitae Variant Classification Sherloc (09022015). Collection method: clinical testing. Allele origin: germline.

PreventionGenetics, part of Exact Sciences
Classification: Likely benign for ITGB4-related condition. Last evaluated: 2026-01-12. Review status: criteria provided, single submitter. Criteria: ACMG Guidelines, 2015. Collection method: clinical testing. Allele origin: germline.
Comment: This variant is classified as likely benign based on ACMG/AMP sequence variant interpretation guidelines (Richards et al. 2015 PMID: 25741868, with internal and published modifications).

GeneDx
Classification: Uncertain significance. Last evaluated: 2024-09-04. Review status: criteria provided, single submitter. Criteria: GeneDx Variant Classification Process June 2021. Collection method: clinical testing. Allele origin: germline. Affected: yes.
Comment: In silico analysis supports that this missense variant has a deleterious effect on protein structure/function; Has not been previously published as pathogenic or benign to our knowledge

Fulgent Genetics
Classification: Uncertain significance for Junctional epidermolysis bullosa with pyloric atresia; Epidermolysis bullosa, junctional 5A, intermediate. Last evaluated: 2021-07-15. Review status: criteria provided, single submitter. Criteria: ACMG Guidelines, 2015. Collection method: clinical testing. Allele origin: unknown.

Illumina Laboratory Services, Illumina
Classification: Uncertain significance for Junctional epidermolysis bullosa with pyloric atresia. Last evaluated: 2018-01-13. Review status: criteria provided, single submitter. Criteria: ICSL Variant Classification Criteria 13 December 2019. Collection method: clinical testing. Allele origin: germline.

Breakthrough Genomics
Classification: Uncertain significance. Review status: criteria provided, single submitter. Criteria: ACMG Guidelines, 2015. Collection method: not provided. Allele origin: germline. Inheritance: Autosomal recessive inheritance. Affected: yes.

Department of Pathology and Laboratory Medicine, Sinai Health System
Classification: Uncertain significance. Review status: no assertion criteria provided. Collection method: clinical testing. Allele origin: unknown. Affected: yes. Study: The Canadian Open Genetics Repository (COGR). Not counted in ClinVar's aggregate classification.
Comment: The ITGB4 p.Gly449Ser variant was not identified in the literature nor was it identified in ClinVar, Cosmic or LOVD 3.0. The variant was identified in dbSNP (ID: rs147963396) and in control databases in 187 of 282486 chromosomes at a frequency of 0.000662 increasing the likelihood this could be a low frequency benign variant (Genome Aggregation Database Feb 27, 2017). The variant was observed in the following populations: European (non-Finnish) in 164 of 128888 chromosomes (freq: 0.001272), Other in 4 of 7218 chromosomes (freq: 0.000554), Latino in 11 of 35422 chromosomes (freq: 0.000311), European (Finnish) in 7 of 25110 chromosomes (freq: 0.000279) and South Asian in 1 of 30616 chromosomes (freq: 0.000033); it was not observed in the African, Ashkenazi Jewish or East Asian populations. The variant occurs outside of the splicing consensus sequence and in silico or computational prediction software programs (SpliceSiteFinder, MaxEntScan, NNSPLICE, GeneSplicer) do not predict a difference in splicing. The p.Gly449 residue is not conserved in mammals or distantly related organisms and computational analyses (PolyPhen-2, SIFT, AlignGVGD, BLOSUM, MutationTaster) do not suggest a high likelihood of impact to the protein; however, this information is not predictive enough to rule out pathogenicity. In summary, based on the above information the clinical significance of this variant cannot be determined with certainty at this time. This variant is classified as a variant of uncertain significance.

NM_000213.5(ITGB4):c.1345G>A (p.Gly449Ser)

Gene: ITGB4 (integrin subunit beta 4; plus strand). Cytogenetic location: 17q25.1.
Variant type: single nucleotide variant.
Coding change: c.1345G>A on transcript NM_000213.5 (MANE Select); coding-DNA position 1345, G replaced by A.
Protein change: p.Gly449Ser; replaces glycine 449 with serine.
Molecular consequence: missense variant.
Genome position (GRCh38, 1-based): chr17:75,731,941, G>A. VCF-style: chr17-75731941-G-A. GRCh37 (hg19) VCF-style: chr17-73728022-G-A.
Other names: c.1345G>A (NM_000213.4); c.1345G>A, p.Gly449Ser (NM_001005619.2, NM_001005731.3, NM_001321123.2); short protein forms G449S.
Identifiers: ClinVar variation 888755 (VCV000888755.16), dbSNP rs147963396, ClinGen allele CA8768975.